The following is an entry in ClinVar:

NM_001291303.3(FAT4):c.10857G>T (p.Val3619=)

Gene: FAT4 (FAT atypical cadherin 4; plus strand). Cytogenetic location: 4q28.1.
Variant type: single nucleotide variant.
Coding change: c.10857G>T on transcript NM_001291303.3 (MANE Select); coding-DNA position 10857, G replaced by T.
Protein change: p.Val3619=; no amino-acid change (valine 3619 retained).
Molecular consequence: synonymous variant.
Genome position (GRCh38, 1-based): chr4:125,451,867, G>T. VCF-style: chr4-125451867-G-T. GRCh37 (hg19) VCF-style: chr4-126373022-G-T.
Other names: c.10857G>T, p.Val3619= (NM_001291285.3, NM_001438396.1, NM_001438397.1); c.5628G>T, p.Val1876= (NM_001437895.1); c.10851G>T, p.Val3617= (NM_024582.6).
Identifiers: ClinVar variation 4822720 (VCV004822720.4).

ClinVar aggregate classification (germline): Likely benign (1 of 4 stars; one submission).

gnomAD v4.1: 1 of 1,613,918 alleles (0.000062%); highest among the groups gnomAD compares: African/African-American, 0.0013%; no homozygotes.

Submission:

CeGaT Center for Human Genetics Tuebingen
Classification: Likely benign. Last evaluated: 2026-03-01. Review status: criteria provided, single submitter. Criteria: CeGaT Center For Human Genetics Tuebingen Variant Classification Criteria Version 2. Collection method: clinical testing. Allele origin: germline. Affected: yes. Observed: 1 variant allele.
Comment: FAT4: BP4, BP7